The following is an entry in ClinVar:

ClinVar aggregate classification (germline): Uncertain significance (1 of 4 stars; one submission).

Submission:

Ambry Genetics
Classification: Uncertain significance. Last evaluated: 2026-02-13. Review status: criteria provided, single submitter. Criteria: Ambry Variant Classification Scheme 2023. Collection method: clinical testing. Allele origin: germline.
Comment: The p.C1170F variant (also known as c.3509G>T), located in coding exon 31 of the KIF1B gene, results from a G to T substitution at nucleotide position 3509. The cysteine at codon 1170 is replaced by phenylalanine, an amino acid with highly dissimilar properties. This amino acid position is conserved. In addition, this alteration is predicted to be tolerated by in silico analysis. Based on the available evidence, the clinical significance of this variant remains unclear.

NM_001365951.3(KIF1B):c.3647G>T (p.Cys1216Phe)

Gene: KIF1B (kinesin family member 1B; plus strand). Cytogenetic location: 1p36.22.
Variant type: single nucleotide variant.
Coding change: c.3647G>T on transcript NM_001365951.3 (MANE Select); coding-DNA position 3647, G replaced by T.
Protein change: p.Cys1216Phe; replaces cysteine 1216 with phenylalanine.
Molecular consequence: missense variant.
Genome position (GRCh38, 1-based): chr1:10,343,246, G>T. VCF-style: chr1-10343246-G-T. GRCh37 (hg19) VCF-style: chr1-10403304-G-T.
Other names: c.3509G>T, p.Cys1170Phe (NM_015074.3); c.3647G>T, p.Cys1216Phe (NM_001365952.1); short protein forms C1170F, C1216F.
Identifiers: ClinVar variation 4844680 (VCV004844680.1).